The following is an entry in ClinVar:

ClinVar aggregate classification (germline): Pathogenic (1 of 4 stars; one submission).

Conditions:
Arrhythmogenic right ventricular dysplasia 11. Also called: ARRHYTHMOGENIC RIGHT VENTRICULAR DYSPLASIA, FAMILIAL, 11; Arrhythmogenic Right Ventricular Dysplasia/Cardiomyopathy11; Arrhythmogenic right ventricular dysplasia 11 with mild palmoplantar keratoderma and woolly hair. Identifiers: MedGen C1864850, MONDO:0012506, OMIM 610476.

Submission:

Labcorp Genetics (formerly Invitae), Labcorp
Classification: Pathogenic for Arrhythmogenic right ventricular dysplasia 11. Last evaluated: 2023-02-07. Review status: criteria provided, single submitter. Criteria: Invitae Variant Classification Sherloc (09022015). Collection method: clinical testing. Allele origin: germline.
Comment: This sequence change creates a premature translational stop signal (p.Phe712Leufs*16) in the DSC2 gene. It is expected to result in an absent or disrupted protein product. Loss-of-function variants in DSC2 are known to be pathogenic (PMID: 23911551). This variant is not present in population databases (gnomAD no frequency). This variant has not been reported in the literature in individuals affected with DSC2-related conditions. For these reasons, this variant has been classified as Pathogenic.

Literature cited by the submitters: PubMed 23911551.

NM_024422.6(DSC2):c.2136del (p.Phe712fs)

Gene: DSC2 (desmocollin 2; minus strand). Cytogenetic location: 18q12.1.
Variant type: Deletion.
Coding change: c.2136del on transcript NM_024422.6 (MANE Select); coding-DNA position 2136, one base deleted (T; older notation c.2136delT).
Protein change: p.Phe712fs; shifts the reading frame from phenylalanine 712.
Molecular consequence: frameshift variant.
Genome position (GRCh38, 1-based): chr18:31,070,840, A deleted on the plus strand (T on the coding strand, the reverse complement: DSC2 is on the minus strand); the first of 3 consecutive A bases (chr18:31,070,840-31,070,842); deleting any one gives the same sequence. VCF-style (leftmost placement, unchanged base first): chr18-31070839-TA-T. GRCh37 (hg19) VCF-style: chr18-28650805-TA-T.
Other names: c.1707del, p.Phe569fs (NM_001406506.1, NM_001406507.1); c.2136del, p.Phe712fs (NM_004949.5); short protein forms F712fs, F569fs.
Identifiers: ClinVar variation 2835126 (VCV002835126.3), dbSNP rs2144788632, ClinGen allele CA2739268623.